The following is an entry in ClinVar:

ClinVar aggregate classification (germline): Uncertain significance. Review status: criteria provided, multiple submitters, no conflicts (2 of 4 stars). 2 submissions from 2 submitters: Uncertain significance (2). Last evaluated 2025-01-25.

Conditions:
Inborn genetic diseases. Identifiers: MedGen C0950123, MeSH D030342.

Allele frequency attached by ClinVar (database versions not stated): gnomAD 0.00001; ExAC 0.00002; TOPMed 0.00002; 1000 Genomes Project 30x 0.00016; 1000 Genomes Project 0.00020.
gnomAD v4.1: 18 of 1,588,786 alleles (0.0011%); highest among the groups gnomAD compares: Non-Finnish European, 0.0014%; no homozygotes.

Submissions (2):

Ambry Genetics
Classification: Uncertain significance for Inborn genetic diseases. Last evaluated: 2025-01-25. Review status: criteria provided, single submitter. Criteria: Ambry Variant Classification Scheme 2023. Collection method: clinical testing. Allele origin: germline.

Labcorp Genetics (formerly Invitae), Labcorp
Classification: Uncertain significance. Last evaluated: 2022-09-21. Review status: criteria provided, single submitter. Criteria: Invitae Variant Classification Sherloc (09022015). Collection method: clinical testing. Allele origin: germline.
Comment: Algorithms developed to predict the effect of missense changes on protein structure and function are either unavailable or do not agree on the potential impact of this missense change (SIFT: "Tolerated"; PolyPhen-2: "Probably Damaging"; Align-GVGD: "Class C0"). This variant has not been reported in the literature in individuals affected with ACTN1-related conditions. This variant is present in population databases (rs192640536, gnomAD 0.003%). This sequence change replaces glycine, which is neutral and non-polar, with serine, which is neutral and polar, at codon 910 of the ACTN1 protein (p.Gly910Ser). In summary, the available evidence is currently insufficient to determine the role of this variant in disease. Therefore, it has been classified as a Variant of Uncertain Significance.

NM_001130004.2(ACTN1):c.2728G>A (p.Gly910Ser)

Gene: ACTN1 (actinin alpha 1; minus strand). Cytogenetic location: 14q24.1.
Variant type: single nucleotide variant.
Coding change: c.2728G>A on transcript NM_001130004.2 (MANE Select); coding-DNA position 2728, G replaced by A.
Protein change: p.Gly910Ser; replaces glycine 910 with serine.
Molecular consequence: missense variant.
Genome position (GRCh38, 1-based): chr14:68,874,876, C>T on the plus strand (G>A on the coding strand, the complement: ACTN1 is on the minus strand). VCF-style: chr14-68874876-C-T. GRCh37 (hg19) VCF-style: chr14-69341593-C-T.
Other names: c.2662G>A, p.Gly888Ser (NM_001102.4); c.2647G>A, p.Gly883Ser (NM_001130005.2); c.2671G>A, p.Gly891Ser (NM_001411035.1); c.2467G>A, p.Gly823Ser (NM_001411036.1); short protein forms G883S, G888S, G823S, G891S, G910S.
Identifiers: ClinVar variation 1917616 (VCV001917616.6), dbSNP rs192640536, ClinGen allele CA7241865.